The following is an entry in ClinVar:

NM_177965.4(CFAP418):c.395G>C (p.Cys132Ser)

Gene: CFAP418 (cilia and flagella associated protein 418; minus strand). Cytogenetic location: 8q22.1.
Variant type: single nucleotide variant.
Coding change: c.395G>C on transcript NM_177965.4 (MANE Select); coding-DNA position 395, G replaced by C.
Protein change: p.Cys132Ser; replaces cysteine 132 with serine.
Molecular consequence: missense variant. On other transcripts: intron variant (1).
Genome position (GRCh38, 1-based): chr8:95,252,263, C>G on the plus strand (G>C on the coding strand, the complement: CFAP418 is on the minus strand). VCF-style: chr8-95252263-C-G. GRCh37 (hg19) VCF-style: chr8-96264491-C-G.
Other names: c.375-4493G>C (NM_001363260.1); short protein forms C132S.
Identifiers: ClinVar variation 1899789 (VCV001899789.3), dbSNP rs759733354, ClinGen allele CA371838605.

ClinVar aggregate classification (germline): Uncertain significance. Review status: criteria provided, multiple submitters, no conflicts (2 of 4 stars). 2 submissions from 2 submitters: Uncertain significance (2). Last evaluated 2022-10-17.

gnomAD v4.1: 5 of 1,613,242 alleles (0.00031%); highest among the groups gnomAD compares: Non-Finnish European, 0.00042%; no homozygotes.

Submissions (2):

Labcorp Genetics (formerly Invitae), Labcorp
Classification: Uncertain significance. Last evaluated: 2022-10-17. Review status: criteria provided, single submitter. Criteria: Invitae Variant Classification Sherloc (09022015). Collection method: clinical testing. Allele origin: germline.
Comment: This sequence change replaces cysteine, which is neutral and slightly polar, with serine, which is neutral and polar, at codon 132 of the C8orf37 protein (p.Cys132Ser). This variant is present in population databases (no rsID available, gnomAD 0.007%). This variant has not been reported in the literature in individuals affected with C8orf37-related conditions. Algorithms developed to predict the effect of missense changes on protein structure and function are either unavailable or do not agree on the potential impact of this missense change (SIFT: "Deleterious"; PolyPhen-2: "Probably Damaging"; Align-GVGD: "Class C0"). In summary, the available evidence is currently insufficient to determine the role of this variant in disease. Therefore, it has been classified as a Variant of Uncertain Significance.

Blueprint Genetics
Classification: Uncertain significance. Last evaluated: 2022-05-17. Review status: criteria provided, single submitter. Criteria: ACMG Guidelines, 2015. Collection method: clinical testing. Allele origin: germline.